The following is an entry in ClinVar:

ClinVar aggregate classification (germline): Uncertain significance (1 of 4 stars; one submission).

Allele frequency attached by ClinVar (database versions not stated): gnomAD exomes below 0.00001.

Submission:

Labcorp Genetics (formerly Invitae), Labcorp
Classification: Uncertain significance. Last evaluated: 2022-11-05. Review status: criteria provided, single submitter. Criteria: Invitae Variant Classification Sherloc (09022015). Collection method: clinical testing. Allele origin: germline.
Comment: In summary, the available evidence is currently insufficient to determine the role of this variant in disease. Therefore, it has been classified as a Variant of Uncertain Significance. Experimental studies and prediction algorithms are not available or were not evaluated, and the functional significance of this variant is currently unknown. This variant has not been reported in the literature in individuals affected with PDE8B-related conditions. This variant is not present in population databases (gnomAD no frequency). This sequence change results in a frameshift in the PDE8B gene (p.Ser883Thrfs*18). While this is not anticipated to result in nonsense mediated decay, it is expected to disrupt the last 3 amino acid(s) of the PDE8B protein and extend the protein by 14 additional amino acid residues.

NM_003719.5(PDE8B):c.2646_2649del (p.Ser883fs)

Gene: PDE8B (phosphodiesterase 8B; plus strand). Cytogenetic location: 5q13.3.
Variant type: Deletion.
Coding change: c.2646_2649del on transcript NM_003719.5 (MANE Select); coding-DNA positions 2646 to 2649, 4 bases deleted (ATCT; older notation c.2646_2649delATCT).
Protein change: p.Ser883fs; shifts the reading frame from serine 883.
Molecular consequence: frameshift variant. On other transcripts: 3 prime UTR variant (2).
Genome position (GRCh38, 1-based): chr5:77,426,542-77,426,545, ATCT deleted. VCF-style (leftmost placement, unchanged base first): chr5-77426541-CATCT-C. GRCh37 (hg19) VCF-style: chr5-76722366-CATCT-C.
Other names: c.2355_2358del, p.Ser786fs (NM_001029851.4); c.2481_2484del, p.Ser828fs (NM_001029852.4); c.2586_2589del, p.Ser863fs (NM_001029853.4); c.2505_2508del, p.Ser836fs (NM_001029854.4); c.2643_2646del, p.Ser882fs (NM_001349748.3); c.2709_2712del, p.Ser904fs (NM_001349749.3); c.2406_2409del, p.Ser803fs (NM_001349750.3); c.*74_*77del (NM_001349751.3, NM_001376072.1); and 14 more; short protein forms S662fs, S786fs, S836fs, S735fs, S759fs, S828fs, S863fs, S883fs.
Identifiers: ClinVar variation 2133020 (VCV002133020.4), dbSNP rs1245608131, ClinGen allele CA814137094.